The following is an entry in ClinVar:

NM_032380.5(GFM2):c.931-286T>C

Gene: GFM2 (GTP dependent ribosome recycling factor mitochondrial 2; minus strand). Cytogenetic location: 5q13.3.
Variant type: single nucleotide variant.
Coding change: c.931-286T>C on transcript NM_032380.5 (MANE Select); 286 bases into the intron before coding-DNA position 931, T replaced by C.
Molecular consequence: intron variant.
Genome position (GRCh38, 1-based): chr5:74,740,423, A>G on the plus strand (T>C on the coding strand, the complement: GFM2 is on the minus strand). VCF-style: chr5-74740423-A-G. GRCh37 (hg19) VCF-style: chr5-74036248-A-G.
Other names: c.931-286T>C (NM_170691.3, NM_170681.3); c.1027-286T>C (NM_001281302.2).
Identifiers: ClinVar variation 680959 (VCV000680959.1), dbSNP rs1447452, ClinGen allele CA120919244.

ClinVar aggregate classification (germline): Benign (1 of 4 stars; one submission).

Allele frequency attached by ClinVar (database versions not stated): gnomAD 0.02440 and 0.02602; TOPMed 0.02806; 1000 Genomes Project 0.03055; 1000 Genomes Project 30x 0.03217.
gnomAD v4.1: 3,676 of 152,278 alleles (2.4%); highest among the groups gnomAD compares: African/African-American, 8.4%; 152 homozygotes.

Submission:

GeneDx
Classification: Benign. Last evaluated: 2018-06-14. Review status: criteria provided, single submitter. Criteria: GeneDx Variant Classification (06012015). Collection method: clinical testing. Allele origin: germline. Affected: yes.
Comment: This variant is considered likely benign or benign based on one or more of the following criteria: it is a conservative change, it occurs at a poorly conserved position in the protein, it is predicted to be benign by multiple in silico algorithms, and/or has population frequency not consistent with disease.